The following is an entry in ClinVar:

ClinVar aggregate classification (germline): Uncertain significance. Review status: criteria provided, multiple submitters, no conflicts (2 of 4 stars). 3 submissions from 3 submitters: Uncertain significance (2). 1 of the submissions does not count toward it. Last evaluated 2023-02-24.

Conditions:
Optic atrophy. Identifiers: MedGen C0029124, MONDO:0003608, HP:0000648.
Cardiovascular phenotype. Identifiers: MedGen CN230736.
Alstrom syndrome (ALMS). Identifiers: Orphanet 64, MedGen C0268425, MONDO:0008763, OMIM 203800.

Allele frequency attached by ClinVar (database versions not stated): gnomAD exomes below 0.00001; TOPMed below 0.00001; gnomAD 0.00001.
gnomAD v4.1: 3 of 1,613,406 alleles (0.00019%); highest among the groups gnomAD compares: Non-Finnish European, 0.00025%; no homozygotes.

Submissions (3):

Ambry Genetics
Classification: Uncertain significance for Cardiovascular phenotype. Last evaluated: 2023-02-24. Review status: criteria provided, single submitter. Criteria: Ambry Variant Classification Scheme 2023. Collection method: clinical testing. Allele origin: germline.
Comment: The p.K2074R variant (also known as c.6221A>G), located in coding exon 8 of the ALMS1 gene, results from an A to G substitution at nucleotide position 6221. The lysine at codon 2074 is replaced by arginine, an amino acid with highly similar properties. This amino acid position is highly conserved in available vertebrate species. In addition, this alteration is predicted to be tolerated by in silico analysis. Since supporting evidence is limited at this time, the clinical significance of this alteration remains unclear.

Labcorp Genetics (formerly Invitae), Labcorp
Classification: Uncertain significance for Alstrom syndrome. Last evaluated: 2021-08-28. Review status: criteria provided, single submitter. Criteria: Invitae Variant Classification Sherloc (09022015). Collection method: clinical testing. Allele origin: germline.
Comment: This sequence change replaces lysine with arginine at codon 2074 of the ALMS1 protein (p.Lys2074Arg). The lysine residue is moderately conserved and there is a small physicochemical difference between lysine and arginine. This variant is not present in population databases (ExAC no frequency). This variant has not been reported in the literature in individuals affected with ALMS1-related conditions. Experimental studies and prediction algorithms are not available or were not evaluated, and the functional significance of this variant is currently unknown. In summary, the available evidence is currently insufficient to determine the role of this variant in disease. Therefore, it has been classified as a Variant of Uncertain Significance.

Institute of Human Genetics, Univ. Regensburg, Univ. Regensburg
Classification: Uncertain significance for Optic atrophy. Last evaluated: 2022-01-01. Review status: no assertion criteria provided. Criteria: ACMG Guidelines, 2015. Collection method: clinical testing. Allele origin: germline. Affected: yes. Not counted in ClinVar's aggregate classification.

NM_001378454.1(ALMS1):c.6218A>G (p.Lys2073Arg)

Gene: ALMS1 (ALMS1 centrosome and basal body associated protein; plus strand). Cytogenetic location: 2p13.1.
Variant type: single nucleotide variant.
Coding change: c.6218A>G on transcript NM_001378454.1 (MANE Select); coding-DNA position 6218, A replaced by G.
Protein change: p.Lys2073Arg; replaces lysine 2073 with arginine.
Molecular consequence: missense variant.
Genome position (GRCh38, 1-based): chr2:73,452,745, A>G. VCF-style: chr2-73452745-A-G. GRCh37 (hg19) VCF-style: chr2-73679872-A-G.
Other names: c.6221A>G, p.Lys2074Arg (NM_015120.4); short protein forms K2073R, K2074R.
Identifiers: ClinVar variation 1434394 (VCV001434394.5), dbSNP rs1381524403, ClinGen allele CA347285329.
Genomic context (GRCh38, chr2:73,452,745, plus strand): 5'-AGCCCAATATTTTATTTCAACAGCAGTTGCCAGATAGAGATCAAAGTAAAGGTATTCTAA[A>G]GATTTCAGCTGTCCCTGAACTAACTGATGTGAATACTGGAAAACCAGTATCTCTCTCTAG-3'
Protein context (NP_001365383.1, residues 2063-2083): PDRDQSKGIL[Lys2073Arg]ISAVPELTDV